The following is an entry in ClinVar:

ClinVar aggregate classification (germline): Conflicting classifications of pathogenicity. Review status: criteria provided, conflicting classifications (1 of 4 stars). 5 submissions from 5 submitters: Uncertain significance (1); Likely benign (4). Last evaluated 2026-06-17.

Conditions:
Hereditary cancer-predisposing syndrome. Also called: Hereditary neoplastic syndrome; Tumor predisposition; Neoplastic Syndromes, Hereditary; Hereditary Cancer Syndrome. Identifiers: Orphanet 140162, MedGen C0027672, MeSH D009386, MONDO:0015356.
Breast-ovarian cancer, familial, susceptibility to, 1 (BROVCA1). Also called: BRCA1 Hereditary Breast and Ovarian Cancer; OVARIAN CANCER, SUSCEPTIBILITY TO. Identifiers: Orphanet 145, MedGen C2676676, MONDO:0011450, OMIM 604370. Disease mechanism: loss of function.
BRCA1-related disorder. Also called: BRCA1-related condition.

Allele frequency attached by ClinVar (database versions not stated): TOPMed 0.00042; gnomAD exomes 0.00003 and 0.00005; gnomAD 0.00041.
gnomAD v4.1: 64 of 425,466 alleles (0.015%); highest among the groups gnomAD compares: African/African-American, 0.13%; no homozygotes.

Submissions (5):

PreventionGenetics, part of Exact Sciences
Classification: Likely benign for BRCA1-related condition. Last evaluated: 2026-06-17. Review status: criteria provided, single submitter. Criteria: ACMG Guidelines, 2015. Collection method: clinical testing. Allele origin: germline.
Comment: This variant is classified as likely benign based on ACMG/AMP sequence variant interpretation guidelines (Richards et al. 2015 PMID: 25741868, with internal and published modifications).

Myriad Genetics, Inc.
Classification: Likely benign for Breast-ovarian cancer, familial, susceptibility to, 1. Last evaluated: 2025-12-18. Review status: criteria provided, single submitter. Criteria: Myriad Autosomal Dominant, Autosomal Recessive and X-Linked Classification Criteria (2023). Collection method: clinical testing. Allele origin: unknown.
Comment: This variant is considered likely benign. This variant is strongly associated with less severe personal and family histories of cancer, typical for individuals without pathogenic variants in this gene [PMID: 25085752].

Color Diagnostics, LLC DBA Color Health
Classification: Likely benign for Hereditary cancer-predisposing syndrome. Last evaluated: 2022-01-07. Review status: criteria provided, single submitter. Criteria: ACMG Guidelines, 2015. Collection method: clinical testing. Allele origin: germline.

Genetic Services Laboratory, University of Chicago
Classification: Uncertain significance. Last evaluated: 2019-01-03. Review status: criteria provided, single submitter. Criteria: ACMG Guidelines, 2015. Collection method: clinical testing. Allele origin: germline. Affected: no.

GeneDx
Classification: Likely benign. Last evaluated: 2018-11-02. Review status: criteria provided, single submitter. Criteria: GeneDx Variant Classification Process June 2021. Collection method: clinical testing. Allele origin: germline. Affected: yes.

Literature cited by the submitters: PubMed 25085752 (cited by Myriad Genetics, Inc.).

NM_007294.4(BRCA1):c.-106C>G

Genes: BRCA1 (BRCA1 DNA repair associated; minus strand), LOC111589215 (BRCA1 promoter region; plus strand). Cytogenetic location: 17q21.31.
Variant type: single nucleotide variant.
Coding change: c.-106C>G on transcript NM_007294.4 (MANE Select); 106 bases upstream of the start codon, C replaced by G.
Molecular consequence: 5 prime UTR variant. On other transcripts: non-coding transcript variant (1).
Genome position (GRCh38, 1-based): chr17:43,125,357, G>C on the plus strand (C>G on the coding strand, the complement: BRCA1 is on the minus strand). VCF-style: chr17-43125357-G-C. GRCh37 (hg19) VCF-style: chr17-41277374-G-C.
Other names: c.-187C>G (NM_007297.4); c.-100C>G (NM_007299.4); c.-106C>G (NM_007300.4).
Identifiers: ClinVar variation 920681 (VCV000920681.13), dbSNP rs527449526, ClinGen allele CA290828306.